The following is an entry in ClinVar:

NM_004612.4(TGFBR1):c.1066G>A (p.Val356Ile)

Gene: TGFBR1 (transforming growth factor beta receptor 1; plus strand). Cytogenetic location: 9q22.33.
Variant type: single nucleotide variant.
Coding change: c.1066G>A on transcript NM_004612.4 (MANE Select); coding-DNA position 1066, G replaced by A.
Protein change: p.Val356Ile; replaces valine 356 with isoleucine.
Molecular consequence: missense variant. On other transcripts: non-coding transcript variant (4).
Genome position (GRCh38, 1-based): chr9:99,144,824, G>A. VCF-style: chr9-99144824-G-A. GRCh37 (hg19) VCF-style: chr9-101907106-G-A.
Other names: c.835G>A, p.Val279Ile (NM_001130916.3, NM_001407435.1); c.1078G>A, p.Val360Ile (NM_001306210.2); c.910G>A, p.Val304Ile (NM_001407416.1); c.898G>A, p.Val300Ile (NM_001407417.1); c.871G>A, p.Val291Ile (NM_001407418.1, NM_001407419.1, NM_001407420.1 and 1 more transcripts); c.859G>A, p.Val287Ile (NM_001407423.1, NM_001407424.1, NM_001407425.1 and 8 more transcripts); c.820G>A, p.Val274Ile (NM_001407436.1); c.358G>A, p.Val120Ile (NM_001407437.1); and 1 more; short protein forms V120I, V291I, V300I, V279I, V287I, V356I, V197I, V360I.
Identifiers: ClinVar variation 5030830 (VCV005030830.1).

ClinVar aggregate classification (germline): Uncertain significance (1 of 4 stars; one submission).

Conditions:
Familial thoracic aortic aneurysm and aortic dissection (TAAD). Also called: Thoracic aortic aneurysms and dissections. Identifiers: Orphanet 91387, MedGen C4707243, MONDO:0019625.

Submission:

Ambry Genetics
Classification: Uncertain significance for Familial thoracic aortic aneurysm and aortic dissection. Last evaluated: 2026-07-24. Review status: criteria provided, single submitter. Criteria: Ambry Variant Classification Scheme 2023. Collection method: clinical testing. Allele origin: germline.
Comment: The p.V356I variant (also known as c.1066G>A), located in coding exon 6 of the TGFBR1 gene, results from a G to A substitution at nucleotide position 1066. The valine at codon 356 is replaced by isoleucine, an amino acid with highly similar properties. This amino acid position is conserved. In addition, this alteration is predicted to be deleterious by in silico analysis. Based on the available evidence, the clinical significance of this variant remains unclear.